The following is an entry in ClinVar:

ClinVar aggregate classification (germline): Uncertain significance (1 of 4 stars; one submission).

Conditions:
Tuberous sclerosis 2 (TSC2). Identifiers: Orphanet 805, MedGen C1860707, MONDO:0013199, OMIM 613254.

gnomAD v4.1: 1 of 1,613,872 alleles (0.000062%); no homozygotes.

Submission:

Labcorp Genetics (formerly Invitae), Labcorp
Classification: Uncertain significance for Tuberous sclerosis 2. Last evaluated: 2022-08-16. Review status: criteria provided, single submitter. Criteria: Invitae Variant Classification Sherloc (09022015). Collection method: clinical testing. Allele origin: germline.
Comment: This sequence change replaces isoleucine, which is neutral and non-polar, with leucine, which is neutral and non-polar, at codon 496 of the TSC2 protein (p.Ile496Leu). This variant is not present in population databases (gnomAD no frequency). This variant has not been reported in the literature in individuals affected with TSC2-related conditions. ClinVar contains an entry for this variant (Variation ID: 952746). Advanced modeling of protein sequence and biophysical properties (such as structural, functional, and spatial information, amino acid conservation, physicochemical variation, residue mobility, and thermodynamic stability) performed at Invitae indicates that this missense variant is not expected to disrupt TSC2 protein function. In summary, the available evidence is currently insufficient to determine the role of this variant in disease. Therefore, it has been classified as a Variant of Uncertain Significance.

NM_000548.5(TSC2):c.1486A>C (p.Ile496Leu)

Gene: TSC2 (TSC complex subunit 2; plus strand). Cytogenetic location: 16p13.3.
Variant type: single nucleotide variant.
Coding change: c.1486A>C on transcript NM_000548.5 (MANE Select); coding-DNA position 1486, A replaced by C.
Protein change: p.Ile496Leu; replaces isoleucine 496 with leucine.
Molecular consequence: missense variant.
Genome position (GRCh38, 1-based): chr16:2,064,314, A>C. VCF-style: chr16-2064314-A-C. GRCh37 (hg19) VCF-style: chr16-2114315-A-C.
Other names: c.1486A>C, p.Ile496Leu (NM_001077183.3, NM_001114382.3, NM_001363528.2 and 3 more transcripts); c.1375A>C, p.Ile459Leu (NM_001318827.2); c.1339A>C, p.Ile447Leu (NM_001318829.2); c.886A>C, p.Ile296Leu (NM_001318831.2); c.1519A>C, p.Ile507Leu (NM_001318832.2); short protein forms I296L, I507L, I447L, I459L, I496L.
Identifiers: ClinVar variation 952746 (VCV000952746.9), dbSNP rs1211121251, ClinGen allele CA394325896.